The following is an entry in ClinVar:

ClinVar aggregate classification (germline): Pathogenic (1 of 4 stars; one submission).

Conditions:
Hypertrophic cardiomyopathy. Also called: HYPERTROPHIC MYOCARDIOPATHY. Identifiers: Orphanet 217569, MedGen C0007194, MeSH D002312, MONDO:0005045, HP:0001639.

Submission:

Laboratory for Molecular Medicine, Mass General Brigham Personalized Medicine
Classification: Pathogenic for Hypertrophic cardiomyopathy. Last evaluated: 2017-09-08. Review status: criteria provided, single submitter. Criteria: ACMG Guidelines, 2015. Collection method: clinical testing. Allele origin: germline. Inheritance: Autosomal dominant inheritance.
Comment: The p.Val790fs variant in MYBPC3 has not been previously reported in individuals with cardiomyopathy and was absent from large population studies. This variant is predicted to cause a frameshift, which alters the protein’s amino acid sequence beginning at position 790 and leads to a premature termination codon 43 amino acids downstream. This alteration is predicted to lead to a truncated or absent protein. Nonsense and other MYBPC3 variants resulting in a heterozygous loss of function are strongly associated with HCM. In summary, this variant meets criteria to be classified as pathogenic for hypertrophic cardiomyopathy in an autosomal dominant manner based upon the predicted impact on the protein and absence from control databases.

NM_000256.3(MYBPC3):c.2367dup (p.Val790fs)

Gene: MYBPC3 (myosin binding protein C3; minus strand). Cytogenetic location: 11p11.2.
Variant type: Duplication.
Coding change: c.2367dup on transcript NM_000256.3 (MANE Select); coding-DNA position 2367, one base duplicated (A; older notation c.2367dupA).
Protein change: p.Val790fs; shifts the reading frame from valine 790.
Molecular consequence: frameshift variant.
Genome position (GRCh38, 1-based): chr11:47,337,736, T duplicated on the plus strand (A on the coding strand, the reverse complement: MYBPC3 is on the minus strand). VCF-style (leftmost placement, unchanged base first): chr11-47337735-C-CT. GRCh37 (hg19) VCF-style: chr11-47359286-C-CT.
Other names: short protein forms V790fs.
Identifiers: ClinVar variation 3076034 (VCV003076034.1), dbSNP rs2495750437, ClinGen allele CA913187723.